The following is an entry in ClinVar:

NM_001287.6(CLCN7):c.839G>T (p.Arg280Leu)

Gene: CLCN7 (chloride voltage-gated channel 7; minus strand). Cytogenetic location: 16p13.3.
Variant type: single nucleotide variant.
Coding change: c.839G>T on transcript NM_001287.6 (MANE Select); coding-DNA position 839, G replaced by T.
Protein change: p.Arg280Leu; replaces arginine 280 with leucine.
Molecular consequence: missense variant.
Genome position (GRCh38, 1-based): chr16:1,456,190, C>A on the plus strand (G>T on the coding strand, the complement: CLCN7 is on the minus strand). VCF-style: chr16-1456190-C-A. GRCh37 (hg19) VCF-style: chr16-1506191-C-A.
Other names: c.767G>T, p.Arg256Leu (NM_001114331.3); c.839G>T (NM_001287.5); short protein forms R256L, R280L.
Identifiers: ClinVar variation 1501241 (VCV001501241.9), dbSNP rs1163577336, ClinGen allele CA394190454.

ClinVar aggregate classification (germline): Uncertain significance. Review status: criteria provided, multiple submitters, no conflicts (2 of 4 stars). 2 submissions from 2 submitters: Uncertain significance (2). Last evaluated 2024-07-29.

Allele frequency attached by ClinVar (database versions not stated): gnomAD 0.00001.
gnomAD v4.1: 2 of 1,566,032 alleles (0.00013%); highest among the groups gnomAD compares: African/African-American, 0.0014%; no homozygotes.

Submissions (2):

GeneDx
Classification: Uncertain significance. Last evaluated: 2024-07-29. Review status: criteria provided, single submitter. Criteria: GeneDx Variant Classification Process June 2021. Collection method: clinical testing. Allele origin: germline. Affected: yes.
Comment: Not observed at significant frequency in large population cohorts (gnomAD); In silico analysis supports that this missense variant has a deleterious effect on protein structure/function; Has not been previously published as pathogenic or benign to our knowledge

Labcorp Genetics (formerly Invitae), Labcorp
Classification: Uncertain significance. Last evaluated: 2020-11-18. Review status: criteria provided, single submitter. Criteria: Invitae Variant Classification Sherloc (09022015). Collection method: clinical testing. Allele origin: germline.
Comment: This sequence change replaces arginine with leucine at codon 280 of the CLCN7 protein (p.Arg280Leu). The arginine residue is highly conserved and there is a moderate physicochemical difference between arginine and leucine. This variant is not present in population databases (ExAC no frequency). This variant has not been reported in the literature in individuals with CLCN7-related conditions. Algorithms developed to predict the effect of missense changes on protein structure and function are either unavailable or do not agree on the potential impact of this missense change (SIFT: "Deleterious"; PolyPhen-2: "Probably Damaging"; Align-GVGD: "Class C0"). In summary, the available evidence is currently insufficient to determine the role of this variant in disease. Therefore, it has been classified as a Variant of Uncertain Significance.